The following is an entry in ClinVar:

ClinVar aggregate classification (germline): Uncertain significance. Review status: criteria provided, multiple submitters, no conflicts (2 of 4 stars). 3 submissions from 3 submitters: Uncertain significance (2). 1 of the submissions does not count toward it. Last evaluated 2024-06-24.

Conditions:
Autosomal dominant nonsyndromic hearing loss 1. Also called: DEAFNESS, AUTOSOMAL DOMINANT 1, WITH OR WITHOUT THROMBOCYTOPENIA; KONIGSMARK SYNDROME. Identifiers: Orphanet 90635, MedGen C1852282, MONDO:0007424, OMIM 124900.
Progressive microcephaly-seizures-cortical blindness-developmental delay syndrome. Also called: Seizures, cortical blindness, and microcephaly syndrome. Identifiers: Orphanet 477814, MedGen C5567650, MONDO:0014714, OMIM 616632.

Allele frequency attached by ClinVar (database versions not stated): gnomAD exomes below 0.00001.
gnomAD v4.1: 1 of 1,614,022 alleles (0.000062%); highest among the groups gnomAD compares: Middle Eastern, 0.017%; no homozygotes.

Submissions (3):

Blueprint Genetics
Classification: Uncertain significance. Last evaluated: 2024-06-24. Review status: criteria provided, single submitter. Criteria: ACMG Guidelines, 2015. Collection method: clinical testing. Allele origin: germline.

Labcorp Genetics (formerly Invitae), Labcorp
Classification: Uncertain significance for Progressive microcephaly-seizures-cortical blindness-developmental delay syndrome; Autosomal dominant nonsyndromic hearing loss 1. Last evaluated: 2022-11-28. Review status: criteria provided, single submitter. Criteria: Invitae Variant Classification Sherloc (09022015). Collection method: clinical testing. Allele origin: germline.
Comment: In summary, the available evidence is currently insufficient to determine the role of this variant in disease. Therefore, it has been classified as a Variant of Uncertain Significance. Algorithms developed to predict the effect of missense changes on protein structure and function are either unavailable or do not agree on the potential impact of this missense change (SIFT: "Deleterious"; PolyPhen-2: "Probably Damaging"; Align-GVGD: "Class C0"). This variant has not been reported in the literature in individuals affected with DIAPH1-related conditions. This variant is not present in population databases (gnomAD no frequency). This sequence change replaces serine, which is neutral and polar, with tyrosine, which is neutral and polar, at codon 866 of the DIAPH1 protein (p.Ser866Tyr).

Zotz-Klimas Genetics Lab, MVZ Zotz Klimas
Classification: Uncertain significance for Autosomal dominant nonsyndromic hearing loss 1. Last evaluated: 2023-10-09. Review status: no assertion criteria provided. Collection method: clinical testing. Allele origin: germline. Affected: yes. Not counted in ClinVar's aggregate classification.

NM_005219.5(DIAPH1):c.2597C>A (p.Ser866Tyr)

Gene: DIAPH1 (diaphanous related formin 1; minus strand). Cytogenetic location: 5q31.3.
Variant type: single nucleotide variant.
Coding change: c.2597C>A on transcript NM_005219.5 (MANE Select); coding-DNA position 2597, C replaced by A.
Protein change: p.Ser866Tyr; replaces serine 866 with tyrosine.
Molecular consequence: missense variant.
Genome position (GRCh38, 1-based): chr5:141,529,682, G>T on the plus strand (C>A on the coding strand, the complement: DIAPH1 is on the minus strand). VCF-style: chr5-141529682-G-T. GRCh37 (hg19) VCF-style: chr5-140909249-G-T.
Other names: c.2570C>A, p.Ser857Tyr (NM_001079812.3); c.2597C>A, p.Ser866Tyr (NM_001314007.2); short protein forms S857Y, S866Y.
Identifiers: ClinVar variation 2582710 (VCV002582710.5), dbSNP rs150113164, ClinGen allele CA361586605.